The following is an entry in ClinVar:

ClinVar aggregate classification (germline): Uncertain significance (1 of 4 stars; one submission).

Submission:

GeneDx
Classification: Uncertain significance. Last evaluated: 2019-12-11. Review status: criteria provided, single submitter. Criteria: GeneDx Variant Classification Process June 2021. Collection method: clinical testing. Allele origin: germline. Affected: yes.
Comment: Not observed in large population cohorts (Lek et al., 2016); In silico analysis, which includes protein predictors and evolutionary conservation, supports a deleterious effect; Has not been previously published as pathogenic or benign to our knowledge

NM_001376.5(DYNC1H1):c.527A>T (p.Asp176Val)

Gene: DYNC1H1 (dynein cytoplasmic 1 heavy chain 1; plus strand). Cytogenetic location: 14q32.31.
Variant type: single nucleotide variant.
Coding change: c.527A>T on transcript NM_001376.5 (MANE Select); coding-DNA position 527, A replaced by T.
Protein change: p.Asp176Val; replaces aspartic acid 176 with valine.
Molecular consequence: missense variant.
Genome position (GRCh38, 1-based): chr14:101,979,727, A>T. VCF-style: chr14-101979727-A-T. GRCh37 (hg19) VCF-style: chr14-102446064-A-T.
Other names: short protein forms D176V.
Identifiers: ClinVar variation 1304146 (VCV001304146.2), dbSNP rs2141269651, ClinGen allele CA391008036.
Genomic context (GRCh38, chr14:101,979,727, plus strand): 5'-TCTTTGGAGACCAATAGCACACTAAATGTTGAGGTATGAAATCTGTTTTTAGGGATGGTG[A>T]TAAAATGGCTCCTTCAGTTGAAAAGAAGATTGCAGAACTCGAAATGGGACTCCTTCACTT-3'
Protein context (NP_001367.2, residues 166-186): RESGKADRDG[Asp176Val]KMAPSVEKKI